The following is an entry in ClinVar:

NM_000093.5(COL5A1):c.5320A>G (p.Met1774Val)

Genes: COL5A1 (collagen type V alpha 1 chain; plus strand), LOC101448202 (uncharacterized LOC101448202; minus strand). Cytogenetic location: 9q34.3.
Variant type: single nucleotide variant.
Coding change: c.5320A>G on transcript NM_000093.5 (MANE Select); coding-DNA position 5320, A replaced by G.
Protein change: p.Met1774Val; replaces methionine 1774 with valine.
Molecular consequence: missense variant.
Genome position (GRCh38, 1-based): chr9:134,835,154, A>G. VCF-style: chr9-134835154-A-G. GRCh37 (hg19) VCF-style: chr9-137727000-A-G.
Other names: c.5320A>G, p.Met1774Val (NM_001278074.1); short protein forms M1774V.
Identifiers: ClinVar variation 2903128 (VCV002903128.3), dbSNP rs1480174901, ClinGen allele CA375460858.
Genomic context (GRCh38, chr9:134,835,154, plus strand): 5'-GACGCAGCCACGGGCAGCTACGACAAGGCCCTCCGCTTCCTGGGCTCCAACGACGAGGAG[A>G]TGTCCTATGACAACAACCCCTACATCCGCGCCCTGGTGGACGGCTGTGCTGTGAGTATCC-3'
Protein context (NP_000084.3, residues 1764-1784): LRFLGSNDEE[Met1774Val]SYDNNPYIRA

ClinVar aggregate classification (germline): Uncertain significance (1 of 4 stars; one submission).

Conditions:
Ehlers-Danlos syndrome, classic type, 1 (EDSCL1). Also called: EDS I; EHLERS-DANLOS SYNDROME, GRAVIS TYPE; EHLERS-DANLOS SYNDROME, SEVERE CLASSIC TYPE; Ehlers-Danlos syndrome, type 1; Ehlers-Danlos Syndrome, Classic Type, COL5A1-Related. Identifiers: MedGen C0268335, MONDO:0019567, OMIM 130000.

Submission:

Labcorp Genetics (formerly Invitae), Labcorp
Classification: Uncertain significance for Ehlers-Danlos syndrome, classic type, 1. Last evaluated: 2023-02-23. Review status: criteria provided, single submitter. Criteria: Invitae Variant Classification Sherloc (09022015). Collection method: clinical testing. Allele origin: germline.
Comment: This variant has not been reported in the literature in individuals affected with COL5A1-related conditions. Advanced modeling of protein sequence and biophysical properties (such as structural, functional, and spatial information, amino acid conservation, physicochemical variation, residue mobility, and thermodynamic stability) performed at Invitae indicates that this missense variant is not expected to disrupt COL5A1 protein function. In summary, the available evidence is currently insufficient to determine the role of this variant in disease. Therefore, it has been classified as a Variant of Uncertain Significance. This variant is not present in population databases (gnomAD no frequency). This sequence change replaces methionine, which is neutral and non-polar, with valine, which is neutral and non-polar, at codon 1774 of the COL5A1 protein (p.Met1774Val).